The following is an entry in ClinVar:

ClinVar aggregate classification (germline): Likely pathogenic (1 of 4 stars; one submission).

Submission:

GeneDx
Classification: Likely pathogenic. Last evaluated: 2017-09-29. Review status: criteria provided, single submitter. Criteria: GeneDx Variant Classification (06012015). Collection method: clinical testing. Allele origin: germline. Affected: yes.
Comment: The Y206C variant in the MAP3K7 gene has not been reported previously as a pathogenic variant, nor as a benign variant, to our knowledge. The Y206C variant is not observed in large population cohorts (Lek et al., 2016). The Y206C variant is a non-conservative amino acid substitution, which is likely to impact secondary protein structure as these residues differ in polarity, charge, size and/or other properties. This substitution occurs at a position that is conserved across species, and in silico analysis predicts this variant is probably damaging to the protein structure/function. We interpret Y206C as a likely pathogenic variant.

NM_145331.3(MAP3K7):c.617A>G (p.Tyr206Cys)

Gene: MAP3K7 (mitogen-activated protein kinase kinase kinase 7; minus strand). Cytogenetic location: 6q15.
Variant type: single nucleotide variant.
Coding change: c.617A>G on transcript NM_145331.3 (MANE Select); coding-DNA position 617, A replaced by G.
Protein change: p.Tyr206Cys; replaces tyrosine 206 with cysteine.
Molecular consequence: missense variant.
Genome position (GRCh38, 1-based): chr6:90,553,577, T>C on the plus strand (A>G on the coding strand, the complement: MAP3K7 is on the minus strand). VCF-style: chr6-90553577-T-C. GRCh37 (hg19) VCF-style: chr6-91263296-T-C.
Other names: c.617A>G, p.Tyr206Cys (NM_003188.4, NM_145332.3, NM_145333.3); short protein forms Y206C.
Identifiers: ClinVar variation 452368 (VCV000452368.2), dbSNP rs1554184177, ClinGen allele CA365012662.
Genomic context (GRCh38, chr6:90,553,577, plus strand): 5'-CGACGCGTTATCACTTCCCAAAGAATAATACCCCAGCTGAAGACGTCACATTTTTCACTG[T>C]AATTACTACCTAGAAAAAAAAAAGGTAGTATATAACCTAAAGACTATTTTTCCACATGAC-3'
Protein context (NP_663304.1, residues 196-216): MAPEVFEGSN[Tyr206Cys]SEKCDVFSWG